The following is an entry in ClinVar:

ClinVar aggregate classification (germline): Uncertain significance (1 of 4 stars; one submission).

Submission:

Women's Health and Genetics/Laboratory Corporation of America, LabCorp
Classification: Uncertain significance. Last evaluated: 2024-10-07. Review status: criteria provided, single submitter. Criteria: LabCorp Variant Classification Summary - May 2015. Collection method: clinical testing. Allele origin: germline.
Comment: Variant summary: The variant involves the duplication of exon 9 in the NR3C2 gene. A presumed nomenclature of c.(2799+1_2800-1)_(*2581_?)dup has been designated for the purposes of this classification. The exact breakpoint at the 3' end of this variant is unknown, therefore this duplication may extend downstream of the annotated region of the gene. As it duplicates the termination codon, its effect on the encoded protein is unknown. The variant was absent in 21694 control chromosomes. The available data on variant occurrences in the general population are insufficient to allow any conclusion about variant significance. To our knowledge, no occurrence of c.(2799+1_2800-1)_(*2581_?)dup in individuals affected with NR3C2-Related Disorders and no experimental evidence demonstrating its impact on protein function have been reported. No submitters have cited clinical-significance assessments for this variant to ClinVar. Based on the evidence outlined above, the variant was classified as uncertain significance.

NC_000004.11:g.(?_148999914)_(149002651_149035254)dup

Gene: NR3C2 (nuclear receptor subfamily 3 group C member 2; minus strand). Cytogenetic location: 4q31.23.
Variant type: Duplication.
Identifiers: ClinVar variation 3384882 (VCV003384882.1).